The following is an entry in ClinVar:

NM_199355.4(ADAMTS18):c.178G>A (p.Asp60Asn)

Gene: ADAMTS18 (ADAM metallopeptidase with thrombospondin type 1 motif 18; minus strand). Cytogenetic location: 16q23.1.
Variant type: single nucleotide variant.
Coding change: c.178G>A on transcript NM_199355.4 (MANE Select); coding-DNA position 178, G replaced by A.
Protein change: p.Asp60Asn; replaces aspartic acid 60 with asparagine.
Molecular consequence: missense variant. On other transcripts: 5 prime UTR variant (1).
Genome position (GRCh38, 1-based): chr16:77,434,418, C>T on the plus strand (G>A on the coding strand, the complement: ADAMTS18 is on the minus strand). VCF-style: chr16-77434418-C-T. GRCh37 (hg19) VCF-style: chr16-77468315-C-T.
Other names: c.-343G>A (NM_001326358.2); short protein forms D60N.
Identifiers: ClinVar variation 1001796 (VCV001001796.7), dbSNP rs926415545, ClinGen allele CA396851657.
Genomic context (GRCh38, chr16:77,434,418, plus strand): 5'-GGAAGGAAGGGTCAAAGTGCTGCGAAAGGCCCTTCTTGGGGATGGGGGGCAAATACGAAC[C>T]ATCATTTAATCCGCTGGCGCCGCTGCTGCTGTCACTGGCTAAGGCCGCGGCGACCGACGC-3'
Protein context (NP_955387.1, residues 50-70): SSSGASGLND[Asp60Asn]YVFVTPVEVD

ClinVar aggregate classification (germline): Uncertain significance (1 of 4 stars; one submission).

Submission:

Labcorp Genetics (formerly Invitae), Labcorp
Classification: Uncertain significance. Last evaluated: 2020-01-03. Review status: criteria provided, single submitter. Criteria: Invitae Variant Classification Sherloc (09022015). Collection method: clinical testing. Allele origin: germline.
Comment: In summary, the available evidence is currently insufficient to determine the role of this variant in disease. Therefore, it has been classified as a Variant of Uncertain Significance. Nucleotide substitutions within the consensus splice site are a relatively common cause of aberrant splicing (PMID: 17576681, 9536098). Algorithms developed to predict the effect of sequence changes on RNA splicing suggest that this variant may disrupt the consensus splice site, but this prediction has not been confirmed by published transcriptional studies. Algorithms developed to predict the effect of missense changes on protein structure and function are either unavailable or do not agree on the potential impact of this missense change (SIFT: "Not Available"; PolyPhen-2: "Benign"; Align-GVGD: "Not Available"). This variant has not been reported in the literature in individuals with ADAMTS18-related conditions. This variant is not present in population databases (ExAC no frequency). This sequence change replaces aspartic acid with asparagine at codon 60 of the ADAMTS18 protein (p.Asp60Asn). The aspartic acid residue is highly conserved and there is a small physicochemical difference between aspartic acid and asparagine. This variant also falls at the last nucleotide of exon 2 of the ADAMTS18 coding sequence, which is part of the consensus splice site for this exon.

Literature cited by the submitters: PubMed 17576681; PubMed 9536098.